The following is an entry in ClinVar:

NM_002187.3(IL12B):c.527_528del (p.Ser176fs)

Gene: IL12B (interleukin 12B; minus strand). Cytogenetic location: 5q33.3.
Variant type: Microsatellite.
Coding change: c.527_528del on transcript NM_002187.3 (MANE Select); coding-DNA positions 527 to 528, 2 bases deleted (CT; older notation c.527_528delCT).
Protein change: p.Ser176fs; shifts the reading frame from serine 176.
Molecular consequence: frameshift variant.
Genome position (GRCh38, 1-based): chr5:159,320,475-159,320,476, AG deleted on the plus strand (CT on the coding strand, the reverse complement: IL12B is on the minus strand); deleting any 2 consecutive bases within chr5:159,320,475-159,320,480 gives the same sequence; the c. name uses the placement nearest the transcript's 3' end. VCF-style (leftmost placement, unchanged base first): chr5-159320474-CAG-C. GRCh37 (hg19) VCF-style: chr5-158747482-CAG-C.
Other names: short protein forms S176fs.
Identifiers: ClinVar variation 3383385 (VCV003383385.2).

ClinVar aggregate classification (germline): Likely pathogenic (1 of 4 stars; one submission).

Conditions:
Mendelian susceptibility to mycobacterial diseases due to complete IL12B deficiency. Also called: IL12B DEFICIENCY; Immunodeficiency 29. Identifiers: Orphanet 319558, MedGen C4013948, MONDO:0013954, OMIM 614890.

Submission:

Intergen Genetics and Rare Diseases Diagnosis Center
Classification: Likely pathogenic for Mendelian susceptibility to mycobacterial diseases due to complete IL12B deficiency. Last evaluated: 2024-11-22. Review status: criteria provided, single submitter. Criteria: ACMG Guidelines, 2015. Collection method: clinical testing. Allele origin: biparental. Inheritance: Autosomal recessive inheritance. Affected: yes. Observed: 1 homozygote.
Comment: Clinical features are compatible with the disease.